The following is an entry in ClinVar:

NM_001130438.3(SPTAN1):c.5090C>T (p.Ser1697Phe)

Gene: SPTAN1 (spectrin alpha, non-erythrocytic 1; plus strand). Cytogenetic location: 9q34.11.
Variant type: single nucleotide variant.
Coding change: c.5090C>T on transcript NM_001130438.3 (MANE Select); coding-DNA position 5090, C replaced by T.
Protein change: p.Ser1697Phe; replaces serine 1697 with phenylalanine.
Molecular consequence: missense variant.
Genome position (GRCh38, 1-based): chr9:128,613,427, C>T. VCF-style: chr9-128613427-C-T. GRCh37 (hg19) VCF-style: chr9-131375706-C-T.
Other names: c.5015C>T, p.Ser1672Phe (NM_001195532.2); c.5090C>T, p.Ser1697Phe (NM_001363759.2, NM_001375310.1, NM_001375311.2 and 1 more transcripts); c.5030C>T, p.Ser1677Phe (NM_001363765.2, NM_001375314.2); c.5126C>T, p.Ser1709Phe (NM_001375312.2, NM_001375318.1); c.5075C>T, p.Ser1692Phe (NM_003127.4); short protein forms S1677F, S1692F, S1672F, S1697F, S1709F.
Identifiers: ClinVar variation 2185030 (VCV002185030.4), dbSNP rs2541860142, ClinGen allele CA375072566.

ClinVar aggregate classification (germline): Uncertain significance (1 of 4 stars; one submission).

Conditions:
Early-infantile DEE. Also called: Early infantile epileptic encephalopathy with suppression bursts; Early infantile epileptic encephalopathy; Ohtahara syndrome. Identifiers: Orphanet 1934, MedGen C0393706, MONDO:0800491.

Submission:

Labcorp Genetics (formerly Invitae), Labcorp
Classification: Uncertain significance for Early-infantile DEE. Last evaluated: 2025-02-25. Review status: criteria provided, single submitter. Criteria: Invitae Variant Classification Sherloc (09022015). Collection method: clinical testing. Allele origin: germline.
Comment: This sequence change replaces serine, which is neutral and polar, with phenylalanine, which is neutral and non-polar, at codon 1697 of the SPTAN1 protein (p.Ser1697Phe). This variant is not present in population databases (gnomAD no frequency). This variant has not been reported in the literature in individuals affected with SPTAN1-related conditions. ClinVar contains an entry for this variant (Variation ID: 2185030). Invitae Evidence Modeling of protein sequence and biophysical properties (such as structural, functional, and spatial information, amino acid conservation, physicochemical variation, residue mobility, and thermodynamic stability) has been performed for this missense variant. However, the output from this modeling did not meet the statistical confidence thresholds required to predict the impact of this variant on SPTAN1 protein function. In summary, the available evidence is currently insufficient to determine the role of this variant in disease. Therefore, it has been classified as a Variant of Uncertain Significance.